The following is an entry in ClinVar:

ClinVar aggregate classification (germline): Uncertain significance (1 of 4 stars; one submission).

Submission:

Labcorp Genetics (formerly Invitae), Labcorp
Classification: Uncertain significance. Last evaluated: 2025-09-29. Review status: criteria provided, single submitter. Criteria: Invitae Variant Classification Sherloc (09022015). Collection method: clinical testing. Allele origin: germline.
Comment: This sequence change replaces valine, which is neutral and non-polar, with glycine, which is neutral and non-polar, at codon 234 of the PITX1 protein (p.Val234Gly). This variant is present in population databases (no rsID available, gnomAD 0.009%). This variant has not been reported in the literature in individuals affected with PITX1-related conditions. Invitae Evidence Modeling of protein sequence and biophysical properties (such as structural, functional, and spatial information, amino acid conservation, physicochemical variation, residue mobility, and thermodynamic stability) indicates that this missense variant is not expected to disrupt PITX1 protein function with a negative predictive value of 80%. In summary, the available evidence is currently insufficient to determine the role of this variant in disease. Therefore, it has been classified as a Variant of Uncertain Significance.

NM_002653.5(PITX1):c.701T>G (p.Val234Gly)

Gene: PITX1 (paired like homeodomain 1; minus strand). Cytogenetic location: 5q31.1.
Variant type: single nucleotide variant.
Coding change: c.701T>G on transcript NM_002653.5 (MANE Select); coding-DNA position 701, T replaced by G.
Protein change: p.Val234Gly; replaces valine 234 with glycine.
Molecular consequence: missense variant.
Genome position (GRCh38, 1-based): chr5:135,029,023, A>C on the plus strand (T>G on the coding strand, the complement: PITX1 is on the minus strand). VCF-style: chr5-135029023-A-C. GRCh37 (hg19) VCF-style: chr5-134364713-A-C.
Other names: short protein forms V234G.
Identifiers: ClinVar variation 4694551 (VCV004694551.1).
Genomic context (GRCh38, chr5:135,029,023, plus strand): 5'-TTGAGCGAGGAGCCGGTGAGGTTGTTGATGTTGTTGAGGCCCGAGTTGGGCATGCCAGGC[A>C]CGGCGCCTGGGCCCATGCTGGACGGCATGGTCATGGAGGAGATGGAGCTGGGTGCTGAGA-3'
Protein context (NP_002644.4, residues 224-244): TMPSSMGPGA[Val234Gly]PGMPNSGLNN